The following is an entry in ClinVar:

ClinVar aggregate classification (germline): Uncertain significance. Review status: criteria provided, multiple submitters, no conflicts (2 of 4 stars). 2 submissions from 2 submitters: Uncertain significance (2). Last evaluated 2021-07-15.

Conditions:
Cranioectodermal dysplasia 3 (CED3). Identifiers: Orphanet 1515, MedGen C3279807, MONDO:0013573, OMIM 614099.
Short-rib thoracic dysplasia 18 with polydactyly. Identifiers: MedGen C4693420, MONDO:0036483, OMIM 617866.
Retinitis pigmentosa 81 (RP81). Identifiers: MedGen C4693443, MONDO:0036482, OMIM 617871.

Allele frequency attached by ClinVar (database versions not stated): gnomAD exomes below 0.00001; gnomAD 0.00001; TOPMed 0.00001.
gnomAD v4.1: 6 of 1,601,994 alleles (0.00037%); highest among the groups gnomAD compares: Non-Finnish European, 0.00051%; no homozygotes.

Submissions (2):

Fulgent Genetics
Classification: Uncertain significance for Cranioectodermal dysplasia 3; Short-rib thoracic dysplasia 18 with polydactyly; Retinitis pigmentosa 81. Last evaluated: 2021-07-15. Review status: criteria provided, single submitter. Criteria: ACMG Guidelines, 2015. Collection method: clinical testing. Allele origin: unknown.

Labcorp Genetics (formerly Invitae), Labcorp
Classification: Uncertain significance. Last evaluated: 2020-02-12. Review status: criteria provided, single submitter. Criteria: Invitae Variant Classification Sherloc (09022015). Collection method: clinical testing. Allele origin: germline.
Comment: This variant has not been reported in the literature in individuals with IFT43-related conditions. This sequence change replaces proline with serine at codon 126 of the IFT43 protein (p.Pro126Ser). The proline residue is highly conserved and there is a moderate physicochemical difference between proline and serine. This variant is not present in population databases (ExAC no frequency). Algorithms developed to predict the effect of missense changes on protein structure and function (SIFT, PolyPhen-2, Align-GVGD) all suggest that this variant is likely to be disruptive, but these predictions have not been confirmed by published functional studies and their clinical significance is uncertain. In summary, the available evidence is currently insufficient to determine the role of this variant in disease. Therefore, it has been classified as a Variant of Uncertain Significance.

NM_001102564.3(IFT43):c.361C>T (p.Pro121Ser)

Gene: IFT43 (intraflagellar transport 43; plus strand). Cytogenetic location: 14q24.3.
Variant type: single nucleotide variant.
Coding change: c.361C>T on transcript NM_001102564.3 (MANE Select); coding-DNA position 361, C replaced by T.
Protein change: p.Pro121Ser; replaces proline 121 with serine.
Molecular consequence: missense variant. On other transcripts: non-coding transcript variant (2).
Genome position (GRCh38, 1-based): chr14:76,082,360, C>T. VCF-style: chr14-76082360-C-T. GRCh37 (hg19) VCF-style: chr14-76548703-C-T.
Other names: c.376C>T, p.Pro126Ser (NM_052873.3); short protein forms P121S, P126S.
Identifiers: ClinVar variation 998678 (VCV000998678.9), dbSNP rs1359937590, ClinGen allele CA390474049.